The following is an entry in ClinVar:

NM_020944.3(GBA2):c.1146G>A (p.Thr382=)

Gene: GBA2 (glucosylceramidase beta 2; minus strand). Cytogenetic location: 9p13.3.
Variant type: single nucleotide variant.
Coding change: c.1146G>A on transcript NM_020944.3 (MANE Select); coding-DNA position 1146, G replaced by A.
Protein change: p.Thr382=; no amino-acid change (threonine 382 retained).
Molecular consequence: synonymous variant.
Genome position (GRCh38, 1-based): chr9:35,740,346, C>T on the plus strand (G>A on the coding strand, the complement: GBA2 is on the minus strand). VCF-style: chr9-35740346-C-T. GRCh37 (hg19) VCF-style: chr9-35740343-C-T.
Other names: c.1146G>A, p.Thr382= (NM_001330660.2).
Identifiers: ClinVar variation 508354 (VCV000508354.19), dbSNP rs144060698, ClinGen allele CA5050490.

ClinVar aggregate classification (germline): Benign/Likely benign. Review status: criteria provided, multiple submitters, no conflicts (2 of 4 stars). 4 submissions from 4 submitters: Benign (1); Likely benign (3). Last evaluated 2026-09-01.

Conditions:
GBA2-related disorder. Also called: GBA2-related condition.
Spastic paraplegia. Identifiers: MedGen C0037772, HP:0001258.

Allele frequency attached by ClinVar (database versions not stated): gnomAD exomes 0.00012 and 0.00034; gnomAD 0.00119 and 0.00126; 1000 Genomes Project 0.00120; ESP Exome Variant Server 0.00169; 1000 Genomes Project 30x 0.00187; ExAC 0.00035; TOPMed 0.00118.
gnomAD v4.1: 371 of 1,613,154 alleles (0.023%); highest among the groups gnomAD compares: African/African-American, 0.42%; 4 homozygotes.

Submissions (4):

PreventionGenetics, part of Exact Sciences
Classification: Likely benign for GBA2-related condition. Last evaluated: 2026-09-01. Review status: criteria provided, single submitter. Criteria: ACMG Guidelines, 2015. Collection method: clinical testing. Allele origin: germline.
Comment: This variant is classified as likely benign based on ACMG/AMP sequence variant interpretation guidelines (Richards et al. 2015 PMID: 25741868, with internal and published modifications).

CeGaT Center for Human Genetics Tuebingen
Classification: Likely benign. Last evaluated: 2025-04-01. Review status: criteria provided, single submitter. Criteria: CeGaT Center For Human Genetics Tuebingen Variant Classification Criteria Version 2. Collection method: clinical testing. Allele origin: germline. Affected: yes. Observed: 1 variant allele.
Comment: GBA2: BP4, BP7

Labcorp Genetics (formerly Invitae), Labcorp
Classification: Benign for Spastic paraplegia. Last evaluated: 2025-02-19. Review status: criteria provided, single submitter. Criteria: Invitae Variant Classification Sherloc (09022015). Collection method: clinical testing. Allele origin: germline.

GeneDx
Classification: Likely benign. Last evaluated: 2017-03-27. Review status: criteria provided, single submitter. Criteria: GeneDx Variant Classification (06012015). Collection method: clinical testing. Allele origin: germline. Affected: yes.
Comment: This variant is considered likely benign or benign based on one or more of the following criteria: it is a conservative change, it occurs at a poorly conserved position in the protein, it is predicted to be benign by multiple in silico algorithms, and/or has population frequency not consistent with disease.